The following is an entry in ClinVar:

NM_001256715.2(DNAAF3):c.862G>A (p.Glu288Lys)

Genes: DNAAF3-AS1 (DNAAF3 antisense RNA 1; plus strand), DNAAF3 (dynein axonemal assembly factor 3; minus strand). Cytogenetic location: 19q13.42.
Variant type: single nucleotide variant.
Coding change: c.862G>A on transcript NM_001256715.2 (MANE Select); coding-DNA position 862, G replaced by A.
Protein change: p.Glu288Lys; replaces glutamic acid 288 with lysine.
Molecular consequence: missense variant.
Genome position (GRCh38, 1-based): chr19:55,161,115, C>T on the plus strand (G>A on the coding strand, the complement: DNAAF3 is on the minus strand). VCF-style: chr19-55161115-C-T. GRCh37 (hg19) VCF-style: chr19-55672483-C-T.
Other names: c.1066G>A, p.Glu356Lys (NM_001256714.1); c.700G>A, p.Glu234Lys (NM_001256716.2); c.1003G>A, p.Glu335Lys (NM_178837.4); short protein forms E288K, E335K, E234K, E356K.
Identifiers: ClinVar variation 1782007 (VCV001782007.5), dbSNP rs551121979, ClinGen allele CA9668033.
Genomic context (GRCh38, chr19:55,161,115, plus strand): 5'-CGCCGCGCACCTTGACTGGCTGGCCGTTGCTCGTCCGCAGGAGGCTCTCGTCGTCCGCTT[C>T]GATGCCGAAGGCCACGAAGGGCCCCGTGGCGATGTCCCCCCAGTACCCGCGCGCTGCCAC-3'
Protein context (NP_001243644.1, residues 278-298): ATGPFVAFGI[Glu288Lys]ADDESLLRTS

ClinVar aggregate classification (germline): Uncertain significance. Review status: criteria provided, multiple submitters, no conflicts (2 of 4 stars). 2 submissions from 2 submitters: Uncertain significance (2). Last evaluated 2025-08-27.

Conditions:
Primary ciliary dyskinesia. Also called: Ciliary dyskinesia. Identifiers: Orphanet 244, MedGen C0008780, MONDO:0016575, HP:0012265.

Allele frequency attached by ClinVar (database versions not stated): ExAC 0.00006; gnomAD 0.00017; 1000 Genomes Project 30x 0.00047; 1000 Genomes Project 0.00100.
gnomAD v4.1: 62 of 1,546,340 alleles (0.004%); highest among the groups gnomAD compares: African/African-American, 0.068%; no homozygotes.

Submissions (2):

Ambry Genetics
Classification: Uncertain significance for Primary ciliary dyskinesia. Last evaluated: 2025-08-27. Review status: criteria provided, single submitter. Criteria: Ambry Variant Classification Scheme 2023. Collection method: clinical testing. Allele origin: germline.

Labcorp Genetics (formerly Invitae), Labcorp
Classification: Uncertain significance for Primary ciliary dyskinesia. Last evaluated: 2022-07-21. Review status: criteria provided, single submitter. Criteria: Invitae Variant Classification Sherloc (09022015). Collection method: clinical testing. Allele origin: germline.
Comment: This sequence change replaces glutamic acid, which is acidic and polar, with lysine, which is basic and polar, at codon 356 of the DNAAF3 protein (p.Glu356Lys). This variant is present in population databases (rs551121979, gnomAD 0.07%). This variant has not been reported in the literature in individuals affected with DNAAF3-related conditions. Algorithms developed to predict the effect of missense changes on protein structure and function are either unavailable or do not agree on the potential impact of this missense change (SIFT: "Tolerated"; PolyPhen-2: "Probably Damaging"; Align-GVGD: "Class C0"). In summary, the available evidence is currently insufficient to determine the role of this variant in disease. Therefore, it has been classified as a Variant of Uncertain Significance.